The following is an entry in ClinVar:

NM_000069.3(CACNA1S):c.4803T>C (p.Thr1601=)

Gene: CACNA1S (calcium voltage-gated channel subunit alpha1 S; minus strand). Cytogenetic location: 1q32.1.
Variant type: single nucleotide variant.
Coding change: c.4803T>C on transcript NM_000069.3 (MANE Select); coding-DNA position 4803, T replaced by C.
Protein change: p.Thr1601=; no amino-acid change (threonine 1601 retained).
Molecular consequence: synonymous variant.
Genome position (GRCh38, 1-based): chr1:201,043,526, A>G on the plus strand (T>C on the coding strand, the complement: CACNA1S is on the minus strand). VCF-style: chr1-201043526-A-G. GRCh37 (hg19) VCF-style: chr1-201012654-A-G.
Identifiers: ClinVar variation 2191185 (VCV002191185.7), dbSNP rs1310096847, ClinGen allele CA422716400.

ClinVar aggregate classification (germline): Likely benign. Review status: criteria provided, multiple submitters, no conflicts (2 of 4 stars). 4 submissions from 4 submitters: Likely benign (4). Last evaluated 2023-06-28.

Conditions:
Hypokalemic periodic paralysis, type 1. Also called: Hypokalemic Periodic Paralysis Type 1 (AD); HypoPP. Identifiers: Orphanet 681, MedGen C3714580, MONDO:0042979, OMIM 170400.
Malignant hyperthermia, susceptibility to, 5 (MHS5). Also called: CACNA1S-Related Malignant Hyperthermia Susceptibility. Identifiers: Orphanet 423, MedGen C1866077, MONDO:0011163, OMIM 601887.

Allele frequency attached by ClinVar (database versions not stated): gnomAD exomes below 0.00001; gnomAD 0.00001; TOPMed 0.00007.

Submissions (4):

All of Us Research Program, National Institutes of Health
Classification: Likely benign for Malignant hyperthermia, susceptibility to, 5. Last evaluated: 2023-06-28. Review status: criteria provided, single submitter. Criteria: ACMG Guidelines, 2015. Collection method: clinical testing. Allele origin: germline. Inheritance: Autosomal dominant inheritance. Observed: 6 variant alleles, 6 heterozygotes.
Comment: This study involves interpretation of variants in research participants for the purpose of population health screening. Participant phenotype was not available at the time of variant classification. Additional details can be found in publication PMID: 35346344, PMCID: PMC8962531

Blueprint Genetics
Classification: Likely benign. Last evaluated: 2022-11-28. Review status: criteria provided, single submitter. Criteria: ACMG Guidelines, 2015. Collection method: clinical testing. Allele origin: germline.

Color Diagnostics, LLC DBA Color Health
Classification: Likely benign for Malignant hyperthermia, susceptibility to, 5. Last evaluated: 2022-11-06. Review status: criteria provided, single submitter. Criteria: ACMG Guidelines, 2015. Collection method: clinical testing. Allele origin: germline.

Labcorp Genetics (formerly Invitae), Labcorp
Classification: Likely benign for Hypokalemic periodic paralysis, type 1; Malignant hyperthermia, susceptibility to, 5. Last evaluated: 2022-10-24. Review status: criteria provided, single submitter. Criteria: Invitae Variant Classification Sherloc (09022015). Collection method: clinical testing. Allele origin: germline.